The following is an entry in ClinVar:

NM_000059.4(BRCA2):c.6938-346G>A

Gene: BRCA2 (BRCA2 DNA repair associated; plus strand). Cytogenetic location: 13q13.1.
Variant type: single nucleotide variant.
Coding change: c.6938-346G>A on transcript NM_000059.4 (MANE Select); 346 bases into the intron before coding-DNA position 6938, G replaced by A.
Molecular consequence: intron variant.
Genome position (GRCh38, 1-based): chr13:32,346,481, G>A. VCF-style: chr13-32346481-G-A. GRCh37 (hg19) VCF-style: chr13-32920618-G-A.
Other names: IVS 12-346G>A.
Identifiers: ClinVar variation 209714 (VCV000209714.1), dbSNP rs206079, ClinGen allele CA276682.

ClinVar aggregate classification (germline): Benign (3 of 4 stars; one submission).

Conditions:
Breast-ovarian cancer, familial, susceptibility to, 2 (BROVCA2). Also called: BRCA2 Hereditary Breast and Ovarian Cancer. Identifiers: Orphanet 145, MedGen C2675520, MONDO:0012933, OMIM 612555. Disease mechanism: loss of function.

Allele frequency attached by ClinVar (database versions not stated): 1000 Genomes Project 0.42332; gnomAD 0.42617 and 0.42730; 1000 Genomes Project 30x 0.42801; TOPMed 0.43203.
gnomAD v4.1: 65,049 of 151,770 alleles (43%); highest among the groups gnomAD compares: Middle Eastern, 50%; 14,146 homozygotes.

Submission:

Evidence-based Network for the Interpretation of Germline Mutant Alleles (ENIGMA)
Classification: Benign for Breast-ovarian cancer, familial 2. Last evaluated: 2015-01-12. Review status: reviewed by expert panel. Criteria: ENIGMA BRCA1/2 Classification Criteria (2015). Collection method: curation. Allele origin: germline.
Comment: Class 1 not pathogenic based on frequency >1% in an outbred sampleset. Frequency 0.4353 (Asian), 0.3415 (African), 0.4683 (European), derived from 1000 genomes (2012-04-30).